The following is an entry in ClinVar:

ClinVar aggregate classification (germline): Uncertain significance (1 of 4 stars; one submission).

Conditions:
Familial thoracic aortic aneurysm and aortic dissection (TAAD). Also called: Thoracic aortic aneurysms and dissections. Identifiers: Orphanet 91387, MedGen C4707243, MONDO:0019625.

Submission:

Labcorp Genetics (formerly Invitae), Labcorp
Classification: Uncertain significance for Familial thoracic aortic aneurysm and aortic dissection. Last evaluated: 2023-07-22. Review status: criteria provided, single submitter. Criteria: Invitae Variant Classification Sherloc (09022015). Collection method: clinical testing. Allele origin: germline.
Comment: This sequence change replaces glycine, which is neutral and non-polar, with valine, which is neutral and non-polar, at codon 212 of the TGFBR1 protein (p.Gly212Val). This variant is not present in population databases (gnomAD no frequency). This variant has not been reported in the literature in individuals affected with TGFBR1-related conditions. Advanced modeling of protein sequence and biophysical properties (such as structural, functional, and spatial information, amino acid conservation, physicochemical variation, residue mobility, and thermodynamic stability) performed at Invitae indicates that this missense variant is expected to disrupt TGFBR1 protein function. In summary, the available evidence is currently insufficient to determine the role of this variant in disease. Therefore, it has been classified as a Variant of Uncertain Significance.

NM_004612.4(TGFBR1):c.635G>T (p.Gly212Val)

Gene: TGFBR1 (transforming growth factor beta receptor 1; plus strand). Cytogenetic location: 9q22.33.
Variant type: single nucleotide variant.
Coding change: c.635G>T on transcript NM_004612.4 (MANE Select); coding-DNA position 635, G replaced by T.
Protein change: p.Gly212Val; replaces glycine 212 with valine.
Molecular consequence: missense variant. On other transcripts: non-coding transcript variant (4), intron variant (2).
Genome position (GRCh38, 1-based): chr9:99,137,919, G>T. VCF-style: chr9-99137919-G-T. GRCh37 (hg19) VCF-style: chr9-101900201-G-T.
Other names: c.404G>T, p.Gly135Val (NM_001130916.3); c.647G>T, p.Gly216Val (NM_001306210.2, NM_001407416.1); c.635G>T, p.Gly212Val (NM_001407417.1); c.440G>T, p.Gly147Val (NM_001407418.1, NM_001407419.1, NM_001407420.1 and 1 more transcripts); c.428G>T, p.Gly143Val (NM_001407423.1, NM_001407424.1, NM_001407425.1 and 8 more transcripts); c.389G>T, p.Gly130Val (NM_001407436.1); c.158G>T, p.Gly53Val (NM_001407438.1); c.575-4617G>T (NM_001407435.1); and 1 more; short protein forms G143V, G135V, G212V, G216V, G130V, G147V, G53V.
Identifiers: ClinVar variation 2745902 (VCV002745902.3), dbSNP rs2118711166, ClinGen allele CA374229516.
Genomic context (GRCh38, chr9:99,137,919, plus strand): 5'-GTTTACCATTGCTTGTTCAGAGAACAATTGCGAGAACTATTGTGTTACAAGAAAGCATTG[G>T]CAAAGGTCGATTTGGAGAAGTTTGGAGAGGAAAGTGGCGGGGAGAAGAAGTTGCTGTTAA-3'
Protein context (NP_004603.1, residues 202-222): ARTIVLQESI[Gly212Val]KGRFGEVWRG